The following is an entry in ClinVar:

NM_006206.6(PDGFRA):c.724G>T (p.Val242Leu)

Gene: PDGFRA (platelet derived growth factor receptor alpha; plus strand). Cytogenetic location: 4q12.
Variant type: single nucleotide variant.
Coding change: c.724G>T on transcript NM_006206.6 (MANE Select); coding-DNA position 724, G replaced by T.
Protein change: p.Val242Leu; replaces valine 242 with leucine.
Molecular consequence: missense variant.
Genome position (GRCh38, 1-based): chr4:54,265,014, G>T. VCF-style: chr4-54265014-G-T. GRCh37 (hg19) VCF-style: chr4-55131181-G-T.
Other names: c.724G>T, p.Val242Leu (NM_001347827.2, NM_001347829.2); c.799G>T, p.Val267Leu (NM_001347828.2); c.763G>T, p.Val255Leu (NM_001347830.2); short protein forms V242L, V267L, V255L.
Identifiers: ClinVar variation 861861 (VCV000861861.10), dbSNP rs1324568225, ClinGen allele CA356890958.
Genomic context (GRCh38, chr4:54,265,014, plus strand): 5'-AAAACCGTGTATAAGTCAGGGGAAACGATTGTGGTCACCTGTGCTGTTTTTAACAATGAG[G>T]TGGTTGACCTTCAATGGACTTACCCTGGAGAAGTGGTAGGTACCCTCAAAACGTGCAATG-3'
Protein context (NP_006197.1, residues 232-252): VVTCAVFNNE[Val242Leu]VDLQWTYPGE

ClinVar aggregate classification (germline): Uncertain significance (1 of 4 stars; one submission).

Conditions:
Gastrointestinal stromal tumor. Also called: Gastrointestinal stromal tumor, somatic; Gastrointestinal stroma tumor. Identifiers: Orphanet 44890, MedGen C0238198, MeSH D046152, MONDO:0011719, OMIM 606764, HP:0100723.

Submission:

Labcorp Genetics (formerly Invitae), Labcorp
Classification: Uncertain significance for Gastrointestinal stromal tumor. Last evaluated: 2023-09-12. Review status: criteria provided, single submitter. Criteria: Invitae Variant Classification Sherloc (09022015). Collection method: clinical testing. Allele origin: germline.
Comment: This sequence change replaces valine, which is neutral and non-polar, with leucine, which is neutral and non-polar, at codon 242 of the PDGFRA protein (p.Val242Leu). This variant is not present in population databases (gnomAD no frequency). This variant has not been reported in the literature in individuals affected with PDGFRA-related conditions. ClinVar contains an entry for this variant (Variation ID: 861861). Advanced modeling of protein sequence and biophysical properties (such as structural, functional, and spatial information, amino acid conservation, physicochemical variation, residue mobility, and thermodynamic stability) performed at Invitae indicates that this missense variant is not expected to disrupt PDGFRA protein function. In summary, the available evidence is currently insufficient to determine the role of this variant in disease. Therefore, it has been classified as a Variant of Uncertain Significance.